The following is an entry in ClinVar:

NM_012463.4(ATP6V0A2):c.2542A>G (p.Lys848Glu)

Gene: ATP6V0A2 (ATPase H+ transporting V0 subunit a2; plus strand). Cytogenetic location: 12q24.31.
Variant type: single nucleotide variant.
Coding change: c.2542A>G on transcript NM_012463.4 (MANE Select); coding-DNA position 2542, A replaced by G.
Protein change: p.Lys848Glu; replaces lysine 848 with glutamic acid.
Molecular consequence: missense variant.
Genome position (GRCh38, 1-based): chr12:123,758,003, A>G. VCF-style: chr12-123758003-A-G. GRCh37 (hg19) VCF-style: chr12-124242550-A-G.
Other names: short protein forms K848E.
Identifiers: ClinVar variation 307599 (VCV000307599.7), dbSNP rs769901746, ClinGen allele CA6862288.

ClinVar aggregate classification (germline): Uncertain significance. Review status: criteria provided, multiple submitters, no conflicts (2 of 4 stars). 3 submissions from 3 submitters: Uncertain significance (3). Last evaluated 2025-11-05.

Conditions:
Inborn genetic diseases. Identifiers: MedGen C0950123, MeSH D030342.
Cutis laxa with osteodystrophy (ARCL2A). Also called: Debré-Type Cutis Laxa; CUTIS LAXA WITH CONGENITAL DISORDER OF GLYCOSYLATION; CUTIS LAXA, AUTOSOMAL RECESSIVE, TYPE IIA; CUTIS LAXA WITH BONE DYSTROPHY; CUTIS LAXA WITH GROWTH AND DEVELOPMENTAL DELAY; CUTIS LAXA WITH JOINT LAXITY AND RETARDED DEVELOPMENT. Identifiers: Orphanet 357058, MedGen C0268355, MONDO:0018163, OMIM 219200. Disease mechanism: loss of function.

Allele frequency attached by ClinVar (database versions not stated): ExAC 0.00002; gnomAD 0.00001; TOPMed 0.00001; gnomAD exomes 0.00001.
gnomAD v4.1: 13 of 1,612,988 alleles (0.00081%); highest among the groups gnomAD compares: Admixed American, 0.0033%; no homozygotes.

Submissions (3):

Ambry Genetics
Classification: Uncertain significance for Inborn genetic diseases. Last evaluated: 2025-11-05. Review status: criteria provided, single submitter. Criteria: Ambry Variant Classification Scheme 2023. Collection method: clinical testing. Allele origin: germline.

GeneDx
Classification: Uncertain significance. Last evaluated: 2019-10-07. Review status: criteria provided, single submitter. Criteria: GeneDx Variant Classification Process June 2021. Collection method: clinical testing. Allele origin: germline. Affected: yes.
Comment: Not observed at a significant frequency in large population cohorts (Lek et al., 2016); In silico analysis, which includes protein predictors and evolutionary conservation, supports that this variant does not alter protein structure/function; Has not been previously published as pathogenic or benign to our knowledge

Illumina Laboratory Services, Illumina
Classification: Uncertain significance for Cutis laxa with osteodystrophy. Last evaluated: 2018-01-12. Review status: criteria provided, single submitter. Criteria: ICSL Variant Classification Criteria 13 December 2019. Collection method: clinical testing. Allele origin: germline.